The following is an entry in ClinVar:

NM_003978.5(PSTPIP1):c.628C>T (p.Arg210Trp)

Gene: PSTPIP1 (proline-serine-threonine phosphatase interacting protein 1; plus strand). Cytogenetic location: 15q24.3.
Variant type: single nucleotide variant.
Coding change: c.628C>T on transcript NM_003978.5 (MANE Select); coding-DNA position 628, C replaced by T.
Protein change: p.Arg210Trp; replaces arginine 210 with tryptophan.
Molecular consequence: missense variant.
Genome position (GRCh38, 1-based): chr15:77,030,567, C>T. VCF-style: chr15-77030567-C-T. GRCh37 (hg19) VCF-style: chr15-77322908-C-T.
Other names: c.628C>T, p.Arg210Trp (NM_001321135.2); c.601C>T, p.Arg201Trp (NM_001321136.2); c.823C>T, p.Arg275Trp (NM_001321137.1); short protein forms R210W, R275W, R201W.
Identifiers: ClinVar variation 961580 (VCV000961580.13), dbSNP rs200998074, ClinGen allele CA7675906.

ClinVar aggregate classification (germline): Uncertain significance. Review status: criteria provided, multiple submitters, no conflicts (2 of 4 stars). 4 submissions from 4 submitters: Uncertain significance (4). Last evaluated 2026-09-21.

Conditions:
Pyogenic arthritis-pyoderma gangrenosum-acne syndrome (PAPA). Also called: PAPA SYNDROME; FAMILIAL RECURRENT ARTHRITIS. Identifiers: Orphanet 69126, MedGen C1858361, MONDO:0011462, OMIM 604416.
PSTPIP1-related disorder. Also called: PSTPIP1-related condition.
Autoinflammatory syndrome. Identifiers: Orphanet 93665, MedGen C3890737, MONDO:0019751.
Inborn genetic diseases. Identifiers: MedGen C0950123, MeSH D030342.

Allele frequency attached by ClinVar (database versions not stated): gnomAD exomes 0.00004 and 0.00006; ExAC 0.00006; gnomAD 0.00022; TOPMed 0.00026; 1000 Genomes Project 30x 0.00031; 1000 Genomes Project 0.00040; ESP Exome Variant Server 0.00040.
gnomAD v4.1: 121 of 1,608,126 alleles (0.0075%); highest among the groups gnomAD compares: African/African-American, 0.065%; no homozygotes.

Submissions (4):

PreventionGenetics, part of Exact Sciences
Classification: Uncertain significance for PSTPIP1-related condition. Last evaluated: 2026-09-21. Review status: criteria provided, single submitter. Criteria: ACMG Guidelines, 2015. Collection method: clinical testing. Allele origin: germline.
Comment: The PSTPIP1 c.628C>T variant is predicted to result in the amino acid substitution p.Arg210Trp. To our knowledge, this variant has not been reported in the literature. This variant is reported in 0.042% of alleles in individuals of African descent in gnomAD. Although we suspect that this variant may be benign, at this time, the clinical significance of this variant is uncertain due to the absence of conclusive functional and genetic evidence.

Labcorp Genetics (formerly Invitae), Labcorp
Classification: Uncertain significance for Pyogenic arthritis-pyoderma gangrenosum-acne syndrome. Last evaluated: 2025-12-23. Review status: criteria provided, single submitter. Criteria: Invitae Variant Classification Sherloc (09022015). Collection method: clinical testing. Allele origin: germline.
Comment: This sequence change replaces arginine, which is basic and polar, with tryptophan, which is neutral and slightly polar, at codon 210 of the PSTPIP1 protein (p.Arg210Trp). This variant is present in population databases (rs200998074, gnomAD 0.04%). This variant has not been reported in the literature in individuals affected with PSTPIP1-related conditions. ClinVar contains an entry for this variant (Variation ID: 961580). Invitae Evidence Modeling of protein sequence and biophysical properties (such as structural, functional, and spatial information, amino acid conservation, physicochemical variation, residue mobility, and thermodynamic stability) indicates that this missense variant is not expected to disrupt PSTPIP1 protein function with a negative predictive value of 80%. In summary, the available evidence is currently insufficient to determine the role of this variant in disease. Therefore, it has been classified as a Variant of Uncertain Significance.

Ambry Genetics
Classification: Uncertain significance for Inborn genetic diseases. Last evaluated: 2021-09-16. Review status: criteria provided, single submitter. Criteria: Ambry Variant Classification Scheme 2023. Collection method: clinical testing. Allele origin: germline.

Genome Diagnostics Laboratory, The Hospital for Sick Children
Classification: Uncertain significance for Autoinflammatory syndrome. Last evaluated: 2019-09-11. Review status: criteria provided, single submitter. Criteria: ACMG Guidelines, 2015. Collection method: clinical testing. Allele origin: germline. Affected: yes.